The following is an entry in ClinVar:

ClinVar aggregate classification (germline): Conflicting classifications of pathogenicity. Review status: criteria provided, conflicting classifications (1 of 4 stars). 3 submissions from 3 submitters: Likely pathogenic (1); Uncertain significance (2). Last evaluated 2026-02-20.

Conditions:
Hereditary cancer-predisposing syndrome. Also called: Tumor predisposition; Hereditary neoplastic syndrome; Neoplastic Syndromes, Hereditary; Hereditary Cancer Syndrome. Identifiers: Orphanet 140162, MedGen C0027672, MeSH D009386, MONDO:0015356.
Familial cancer of breast. Also called: BREAST CANCER, FAMILIAL; hereditary breast carcinoma; Hereditary breast cancer. Identifiers: Orphanet 227535, MedGen C0346153, MONDO:0016419, OMIM 114480. Disease mechanism: loss of function.

Submissions (3):

Ambry Genetics
Classification: Uncertain significance for Hereditary cancer-predisposing syndrome. Last evaluated: 2026-02-20. Review status: criteria provided, single submitter. Criteria: Ambry Variant Classification Scheme 2023. Collection method: clinical testing. Allele origin: germline.
Comment: The c.3201+2dupT intronic variant, results from a duplication of two nucleotides at nucleotide position 3201 after intron 11 of the PALB2 gene. This nucleotide position is highly conserved in available vertebrate species. In silico splice site analysis predicts that this alteration will weaken the native splice donor site. Based on the available evidence, the clinical significance of this variant remains unclear.

Labcorp Genetics (formerly Invitae), Labcorp
Classification: Uncertain significance for Familial cancer of breast. Last evaluated: 2022-09-01. Review status: criteria provided, single submitter. Criteria: Invitae Variant Classification Sherloc (09022015). Collection method: clinical testing. Allele origin: germline.
Comment: This sequence change falls in intron 11 of the PALB2 gene. It does not directly change the encoded amino acid sequence of the PALB2 protein. It affects a nucleotide within the consensus splice site. This variant is not present in population databases (gnomAD no frequency). This variant has not been reported in the literature in individuals affected with PALB2-related conditions. ClinVar contains an entry for this variant (Variation ID: 186712). Variants that disrupt the consensus splice site are a relatively common cause of aberrant splicing (PMID: 17576681, 9536098). Studies have shown that this variant is associated with altered splicing resulting in unknown protein product impact (Invitae). In summary, the available evidence is currently insufficient to determine the role of this variant in disease. Therefore, it has been classified as a Variant of Uncertain Significance.

GeneDx
Classification: Likely pathogenic. Last evaluated: 2019-07-23. Review status: criteria provided, single submitter. Criteria: GeneDx Variant Classification Process June 2021. Collection method: clinical testing. Allele origin: germline. Affected: yes.
Comment: Intronic splice site variant in a gene for which loss-of-function is a known mechanism of disease, and both in silico predictors and evolutionary conservation support a deleterious effect; Has not been previously published as pathogenic or benign to our knowledge; Not observed in large population cohorts (Lek 2016)

Literature cited by the submitters: PubMed 17576681 (cited by Labcorp Genetics (formerly Invitae), Labcorp); PubMed 9536098 (cited by Labcorp Genetics (formerly Invitae), Labcorp).

NM_024675.4(PALB2):c.3201+2dup

Gene: PALB2 (partner and localizer of BRCA2; minus strand). Cytogenetic location: 16p12.2.
Variant type: Duplication.
Coding change: c.3201+2dup on transcript NM_024675.4 (MANE Select); the canonical splice donor site of the intron after coding-DNA position 3201, one base duplicated (T; older notation c.3201+2dupT).
Molecular consequence: splice donor variant.
Genome position (GRCh38, 1-based): chr16:23,614,002, A duplicated on the plus strand (T on the coding strand, the reverse complement: PALB2 is on the minus strand). VCF-style (leftmost placement, unchanged base first): chr16-23614001-T-TA. GRCh37 (hg19) VCF-style: chr16-23625322-T-TA.
Other names: c.3201+2dupT (NM_024675.3).
Identifiers: ClinVar variation 186712 (VCV000186712.17), dbSNP rs786203164, ClinGen allele CA195634.
Genomic context (GRCh38, chr16:23,614,001, plus strand): 5'-ACTGCTCTCACTTAATGAGACCAACAGTAACACACAAAGTGGTCCCAGCCAGTCATTACT[T>TA]ACCATTTCAGAATAGGCTTTGTGACAGACTGAAGCTTGGTAAGAATCATCAATGTGCATC-3'